The following is an entry in ClinVar:

ClinVar aggregate classification (germline): Conflicting classifications of pathogenicity. Review status: criteria provided, conflicting classifications (1 of 4 stars). 4 submissions from 4 submitters: Uncertain significance (1); Likely benign (3). Last evaluated 2025-05-30.

Conditions:
Usher syndrome type 3B. Also called: USHER SYNDROME, TYPE IIIB. Identifiers: MedGen C3281066, MONDO:0013788, OMIM 614504.

Allele frequency attached by ClinVar (database versions not stated): TOPMed 0.00002; gnomAD 0.00003 and 0.00004; gnomAD exomes 0.00003 and 0.00006; ESP Exome Variant Server 0.00008; ExAC 0.00010.

Submissions (4):

GeneDx
Classification: Uncertain significance. Last evaluated: 2025-05-30. Review status: criteria provided, single submitter. Criteria: GeneDx Variant Classification Process June 2021. Collection method: clinical testing. Allele origin: germline. Affected: yes.
Comment: Reported previously as a likely benign variant in a patient with Charcot-Marie-Tooth disease; however, no further clinical or segregation information was provided (PMID: 34813128); In silico analysis supports that this missense variant has a deleterious effect on protein structure/function; This variant is associated with the following publications: (PMID: 34813128)

Laboratory of Genetics, Children's Clinical University Hospital Latvia
Classification: Likely benign. Last evaluated: 2025-02-16. Review status: criteria provided, single submitter. Criteria: ACMG Guidelines, 2015. Collection method: clinical testing. Allele origin: germline. Affected: yes.

Labcorp Genetics (formerly Invitae), Labcorp
Classification: Likely benign for Usher syndrome type 3B. Last evaluated: 2024-08-06. Review status: criteria provided, single submitter. Criteria: Invitae Variant Classification Sherloc (09022015). Collection method: clinical testing. Allele origin: germline.

Ambry Genetics
Classification: Likely benign. Last evaluated: 2021-07-06. Review status: criteria provided, single submitter. Criteria: Ambry Variant Classification Scheme 2023. Collection method: clinical testing. Allele origin: germline.

NM_002109.6(HARS1):c.1124G>A (p.Arg375His)

Gene: HARS1 (histidyl-tRNA synthetase 1; minus strand). Cytogenetic location: 5q31.3.
Variant type: single nucleotide variant.
Coding change: c.1124G>A on transcript NM_002109.6 (MANE Select); coding-DNA position 1124, G replaced by A.
Protein change: p.Arg375His; replaces arginine 375 with histidine.
Molecular consequence: missense variant.
Genome position (GRCh38, 1-based): chr5:140,676,724, C>T on the plus strand (G>A on the coding strand, the complement: HARS1 is on the minus strand). VCF-style: chr5-140676724-C-T. GRCh37 (hg19) VCF-style: chr5-140056309-C-T.
Other names: c.1004G>A, p.Arg335His (NM_001258040.3); c.1064G>A, p.Arg355His (NM_001258041.3); c.944G>A, p.Arg315His (NM_001258042.3); c.902G>A, p.Arg301His (NM_001289092.2); c.782G>A, p.Arg261His (NM_001289093.2); c.1037G>A, p.Arg346His (NM_001289094.2); short protein forms R315H, R335H, R346H, R375H, R261H, R355H, R301H.
Identifiers: ClinVar variation 800209 (VCV000800209.13), dbSNP rs151258227, ClinGen allele CA3443918.